The following is an entry in ClinVar:

NM_000398.7(CYB5R3):c.611G>A (p.Cys204Tyr)

Gene: CYB5R3 (cytochrome b5 reductase 3; minus strand). Cytogenetic location: 22q13.2.
Variant type: single nucleotide variant.
Coding change: c.611G>A on transcript NM_000398.7 (MANE Select); coding-DNA position 611, G replaced by A.
Protein change: p.Cys204Tyr; replaces cysteine 204 with tyrosine.
Molecular consequence: missense variant.
Genome position (GRCh38, 1-based): chr22:42,627,326, C>T on the plus strand (G>A on the coding strand, the complement: CYB5R3 is on the minus strand). VCF-style: chr22-42627326-C-T. GRCh37 (hg19) VCF-style: chr22-43023332-C-T.
Other names: c.542G>A, p.Cys181Tyr (NM_001129819.2, NM_001171661.1, NM_007326.4); c.710G>A, p.Cys237Tyr (NM_001171660.2); short protein forms C204Y, C181Y, C237Y.
Identifiers: ClinVar variation 249 (VCV000000249.3), dbSNP rs121965015, ClinGen allele CA114088.
Genomic context (GRCh38, chr22:42,627,326, plus strand): 5'-GTAAGCTGAGTTTCCCCATCATGGGGATGCCCACTGACCTGGTTGGCAAAGAGCAGGTGG[C>T]ACACAGTGTGGTCATCAGGGTCCTTCATGATGGCGCGGATCACCTGCAGCATCGGGGTGA-3'
Protein context (NP_000389.1, residues 194-214): IMKDPDDHTV[Cys204Tyr]HLLFANQTEK

ClinVar aggregate classification (germline): Pathogenic. Review status: no assertion criteria provided (0 of 4 stars). 2 submissions from 2 submitters: Pathogenic (2). Last evaluated 2008-05-01.

Conditions:
METHEMOGLOBINEMIA, TYPE I. Identifiers: MedGen C2749559, OMIM 250800.
Hereditary methemoglobinemia. Identifiers: Orphanet 621, MedGen C0272087, MONDO:0018963.

Allele frequency attached by ClinVar (database versions not stated): gnomAD exomes 0.00001 and 0.00006; gnomAD 0.00002; TOPMed 0.00002; ExAC 0.00008.
gnomAD v4.1: 14 of 1,613,872 alleles (0.00087%); highest among the groups gnomAD compares: East Asian, 0.025%; no homozygotes.

Submissions (2):

OMIM
Classification: Pathogenic for METHEMOGLOBINEMIA, TYPE I. Last evaluated: 2008-05-01. Review status: no assertion criteria provided. Collection method: literature only. Allele origin: germline.

Department of Traditional Chinese Medicine, Fujian Provincial Hospital
Classification: Pathogenic for Hereditary methemoglobinemia. Review status: no assertion criteria provided. Collection method: research. Allele origin: inherited.
Comment: This is considered to be due to the presence of Methemoglobinemia, type I. CYB5R3 NM:000398.7: c.611G>A (NP:000398.1: p.Cys204Tyr), this mutation is pathogenic according to the ACMG score. Wang et al. and Percy MJ et al. have previously reported related mutations (PMID: 10807796, PMID: 18318771).

Literature cited by the submitters: PubMed 18318771 (cited by OMIM); PubMed 10807796 (cited by OMIM); DOI 10.1111/j.1365-2141.2008.07017.x (cited by Department of Traditional Chinese Medicine, Fujian Provincial Hospital).